The following is an entry in ClinVar:

ClinVar aggregate classification (germline): Conflicting classifications of pathogenicity. Review status: criteria provided, conflicting classifications (1 of 4 stars). 4 submissions from 4 submitters: Uncertain significance (3); Likely benign (1). Last evaluated 2025-07-16.

Conditions:
Epidermolysis bullosa simplex with nail dystrophy (EBS5D). Identifiers: MedGen C4225309, MONDO:0014661, OMIM 616487.
Autosomal recessive limb-girdle muscular dystrophy type 2Q (LGMDR17). Also called: MUSCULAR DYSTROPHY, LIMB-GIRDLE, AUTOSOMAL RECESSIVE 17. Identifiers: Orphanet 254361, MedGen C3150989, MONDO:0013390, OMIM 613723.
Epidermolysis bullosa simplex 5B, with muscular dystrophy (EBS5B). Also called: Epidermolysis bullosa simplex with muscular dystrophy; EPIDERMOLYSIS BULLOSA SIMPLEX AND LIMB-GIRDLE MUSCULAR DYSTROPHY. Identifiers: Orphanet 257, MedGen C2931072, MONDO:0009181, OMIM 226670.
Epidermolysis bullosa simplex, Ogna type (EBS5A). Also called: Pidermolysis bullosa simplex 5A, Ogna type; EPIDERMOLYSIS BULLOSA SIMPLEX 5A, OGNA TYPE. Identifiers: Orphanet 79401, MedGen C0432317, MONDO:0007555, OMIM 131950.
Epidermolysis bullosa simplex 5C, with pyloric atresia (EBS5C). Also called: Epidermolysis bullosa simplex with pyloric atresia; PLEC1-Related Epidermolysis Bullosa with Pyloric Atresia; PLEC-Related Epidermolysis Bullosa with Pyloric Atresia. Identifiers: Orphanet 158684, MedGen C2677349, MONDO:0012807, OMIM 612138.
Inborn genetic diseases. Identifiers: MedGen C0950123, MeSH D030342.

Allele frequency attached by ClinVar (database versions not stated): TOPMed 0.00008; 1000 Genomes Project 30x 0.00016.
gnomAD v4.1: 135 of 1,596,852 alleles (0.0085%); highest among the groups gnomAD compares: East Asian, 0.17%; no homozygotes.

Submissions (4):

Revvity Omics, Revvity
Classification: Uncertain significance. Last evaluated: 2025-07-16. Review status: criteria provided, single submitter. Criteria: ACMG Guidelines, 2015. Collection method: clinical testing. Allele origin: germline.

Labcorp Genetics (formerly Invitae), Labcorp
Classification: Uncertain significance for Autosomal recessive limb-girdle muscular dystrophy type 2Q; Epidermolysis bullosa simplex, Ogna type; Epidermolysis bullosa simplex with nail dystrophy; Epidermolysis bullosa simplex 5C, with pyloric atresia; Epidermolysis bullosa simplex 5B, with muscular dystrophy. Last evaluated: 2025-06-05. Review status: criteria provided, single submitter. Criteria: Invitae Variant Classification Sherloc (09022015). Collection method: clinical testing. Allele origin: germline.
Comment: This sequence change replaces alanine, which is neutral and non-polar, with threonine, which is neutral and polar, at codon 1253 of the PLEC protein (p.Ala1253Thr). This variant is present in population databases (rs782539707, gnomAD 0.01%). This variant has not been reported in the literature in individuals affected with PLEC-related conditions. ClinVar contains an entry for this variant (Variation ID: 424230). Invitae Evidence Modeling of protein sequence and biophysical properties (such as structural, functional, and spatial information, amino acid conservation, physicochemical variation, residue mobility, and thermodynamic stability) indicates that this missense variant is not expected to disrupt PLEC protein function with a negative predictive value of 80%. In summary, the available evidence is currently insufficient to determine the role of this variant in disease. Therefore, it has been classified as a Variant of Uncertain Significance.

Ambry Genetics
Classification: Uncertain significance for Inborn genetic diseases. Last evaluated: 2025-01-19. Review status: criteria provided, single submitter. Criteria: Ambry Variant Classification Scheme 2023. Collection method: clinical testing. Allele origin: germline.

GeneDx
Classification: Likely benign. Last evaluated: 2020-08-20. Review status: criteria provided, single submitter. Criteria: GeneDx Variant Classification Process June 2021. Collection method: clinical testing. Allele origin: germline. Affected: yes.
Comment: Missense variant in a gene in which most reported pathogenic variants are truncating/loss-of-function; In silico analysis supports that this missense variant does not alter protein structure/function; Has not been previously published as pathogenic or benign to our knowledge

NM_201384.3(PLEC):c.3676G>A (p.Ala1226Thr)

Gene: PLEC (plectin; minus strand). Cytogenetic location: 8q24.3.
Variant type: single nucleotide variant.
Coding change: c.3676G>A on transcript NM_201384.3 (MANE Select); coding-DNA position 3676, G replaced by A.
Protein change: p.Ala1226Thr; replaces alanine 1226 with threonine.
Molecular consequence: missense variant.
Genome position (GRCh38, 1-based): chr8:143,927,490, C>T on the plus strand (G>A on the coding strand, the complement: PLEC is on the minus strand). VCF-style: chr8-143927490-C-T. GRCh37 (hg19) VCF-style: chr8-145001658-C-T.
Other names: c.3757G>A, p.Ala1253Thr (NM_000445.5); c.3634G>A, p.Ala1212Thr (NM_201378.4); c.3610G>A, p.Ala1204Thr (NM_201379.3); c.4087G>A, p.Ala1363Thr (NM_201380.4); c.3580G>A, p.Ala1194Thr (NM_201381.3); c.3676G>A, p.Ala1226Thr (NM_201382.4); c.3688G>A, p.Ala1230Thr (NM_201383.3); short protein forms A1194T, A1204T, A1212T, A1226T, A1230T, A1253T, A1363T.
Identifiers: ClinVar variation 424230 (VCV000424230.14), dbSNP rs782539707, ClinGen allele CA4926989.
Genomic context (GRCh38, chr8:143,927,490, plus strand): 5'-CCCGCACAGCCTGGCTGTCGGCCAGCGGCATGGCCTGGATCTGCTCCTGCCGCCGCCTGG[C>T]GTCCTGCAGCCAGGCGCCCAAGGGGTCTGCACTCTCGCGGTAGTAACGCAGCTGGCGGCC-3'
Protein context (NP_958786.1, residues 1216-1236): ADPLGAWLQD[Ala1226Thr]RRRQEQIQAM